The following is an entry in ClinVar:

NM_001142800.2(EYS):c.833T>C (p.Phe278Ser)

Gene: EYS (EGF-like photoreceptor maintenance factor; minus strand). Cytogenetic location: 6q12.
Variant type: single nucleotide variant.
Coding change: c.833T>C on transcript NM_001142800.2 (MANE Select); coding-DNA position 833, T replaced by C.
Protein change: p.Phe278Ser; replaces phenylalanine 278 with serine.
Molecular consequence: missense variant.
Genome position (GRCh38, 1-based): chr6:65,490,623, A>G on the plus strand (T>C on the coding strand, the complement: EYS is on the minus strand). VCF-style: chr6-65490623-A-G. GRCh37 (hg19) VCF-style: chr6-66200516-A-G.
Other names: c.833T>C, p.Phe278Ser (NM_001142801.2, NM_001292009.2, NM_198283.2); short protein forms F278S.
Identifiers: ClinVar variation 1062404 (VCV001062404.8), dbSNP rs142777049, ClinGen allele CA3877978.
Genomic context (GRCh38, chr6:65,490,623, plus strand): 5'-GTATATGGTTGTATACATATGCATTTTTTACCTGAAAATTGCTCATCACATTCACAAATG[A>G]AACTATTTGAAGTAATATTGCTGCAGTTTCCATGGAAACAGACATGTGGTTGACACTGGC-3'
Protein context (NP_001136272.1, residues 268-288): GNCSNITSNS[Phe278Ser]ICECDEQFSG

ClinVar aggregate classification (germline): Uncertain significance. Review status: criteria provided, multiple submitters, no conflicts (2 of 4 stars). 3 submissions from 3 submitters: Uncertain significance (2). 1 of the submissions does not count toward it. Last evaluated 2022-10-05.

Conditions:
Retinitis pigmentosa 25 (RP25). Identifiers: Orphanet 791, MedGen C1864446, MONDO:0011272, OMIM 602772.

Allele frequency attached by ClinVar (database versions not stated): gnomAD exomes below 0.00001 and 0.00001; ExAC 0.00001; TOPMed 0.00002; gnomAD 0.00004 and 0.00005; ESP Exome Variant Server 0.00015.
gnomAD v4.1: 12 of 1,611,314 alleles (0.00074%); highest among the groups gnomAD compares: African/African-American, 0.016%; no homozygotes.

Submissions (3):

Blueprint Genetics
Classification: Uncertain significance. Last evaluated: 2022-10-05. Review status: criteria provided, single submitter. Criteria: ACMG Guidelines, 2015. Collection method: clinical testing. Allele origin: germline.

Labcorp Genetics (formerly Invitae), Labcorp
Classification: Uncertain significance. Last evaluated: 2022-08-23. Review status: criteria provided, single submitter. Criteria: Invitae Variant Classification Sherloc (09022015). Collection method: clinical testing. Allele origin: germline.
Comment: This sequence change replaces phenylalanine, which is neutral and non-polar, with serine, which is neutral and polar, at codon 278 of the EYS protein (p.Phe278Ser). This variant is present in population databases (rs142777049, gnomAD 0.008%). This variant has not been reported in the literature in individuals affected with EYS-related conditions. ClinVar contains an entry for this variant (Variation ID: 1062404). Algorithms developed to predict the effect of missense changes on protein structure and function output the following: SIFT: "Deleterious"; PolyPhen-2: "Benign"; Align-GVGD: "Class C35". The serine amino acid residue is found in multiple mammalian species, which suggests that this missense change does not adversely affect protein function. In summary, the available evidence is currently insufficient to determine the role of this variant in disease. Therefore, it has been classified as a Variant of Uncertain Significance.

Natera, Inc.
Classification: Uncertain significance for Retinitis pigmentosa type 25. Last evaluated: 2021-05-12. Review status: no assertion criteria provided. Collection method: clinical testing. Allele origin: germline. Not counted in ClinVar's aggregate classification.